The following is an entry in ClinVar:

NM_001267550.2(TTN):c.45055A>T (p.Arg15019Ter)

Genes: TTN (titin; minus strand), LOC126806427 (BRD4-independent group 4 enhancer GRCh37_chr2:179485777-179486976; plus strand). Cytogenetic location: 2q31.2.
Variant type: single nucleotide variant.
Coding change: c.45055A>T on transcript NM_001267550.2 (MANE Select); coding-DNA position 45055, A replaced by T.
Protein change: p.Arg15019Ter; replaces arginine 15019 with a stop codon.
Molecular consequence: nonsense.
Genome position (GRCh38, 1-based): chr2:178,621,867, T>A on the plus strand (A>T on the coding strand, the complement: TTN is on the minus strand). VCF-style: chr2-178621867-T-A. GRCh37 (hg19) VCF-style: chr2-179486594-T-A.
Other names: c.37351A>T, p.Arg12451Ter (NM_133378.4); c.18235A>T, p.Arg6079Ter (NM_133432.3); c.18436A>T, p.Arg6146Ter (NM_133437.4); c.40132A>T, p.Arg13378Ter (NM_001256850.1); c.17860A>T, p.Arg5954Ter (NM_003319.4); c.45055A>T (NM_001267550.1); short protein forms R13378*, R15019*, R5954*, R6079*, R12451*, R6146*.
Identifiers: ClinVar variation 1508134 (VCV001508134.9), dbSNP rs2154212373, ClinGen allele CA349637591.

ClinVar aggregate classification (germline): Pathogenic/Likely pathogenic. Review status: criteria provided, multiple submitters, no conflicts (2 of 4 stars). 2 submissions from 2 submitters: Pathogenic (1); Likely pathogenic (1). Last evaluated 2025-04-26.

Conditions:
Dilated cardiomyopathy 1G (CMD1G). Identifiers: Orphanet 154, MedGen C1858763, MONDO:0011400, OMIM 604145.
Autosomal recessive limb-girdle muscular dystrophy type 2J (LGMDR10). Also called: Limb-girdle muscular dystrophy, type 2J; MUSCULAR DYSTROPHY, LIMB-GIRDLE, AUTOSOMAL RECESSIVE 10. Identifiers: Orphanet 140922, MedGen C1837342, MONDO:0012127, OMIM 608807.

Submissions (2):

Labcorp Genetics (formerly Invitae), Labcorp
Classification: Pathogenic for Dilated cardiomyopathy 1G; Autosomal recessive limb-girdle muscular dystrophy type 2J. Last evaluated: 2025-04-26. Review status: criteria provided, single submitter. Criteria: Invitae Variant Classification Sherloc (09022015). Collection method: clinical testing. Allele origin: germline.
Comment: This sequence change creates a premature translational stop signal (p.Arg15019*) in the TTN gene. While this is not anticipated to result in nonsense mediated decay, it is expected to create a truncated TTN protein. This variant is not present in population databases (gnomAD no frequency). This premature translational stop signal has been observed in individuals with autosomal dominant dilated cardiomyopathy (internal data). ClinVar contains an entry for this variant (Variation ID: 1508134). This variant is located in the I band of TTN (PMID: 25589632). Truncating variants in this region have been reported in individuals affected with autosomal recessive centronuclear myopathy (PMID: 23975875, internal data). Truncating variants in this region have also been identified in individuals affected with autosomal dominant dilated cardiomyopathy and/or cardio-related conditions (PMID: 27869827, 32964742, internal data). For these reasons, this variant has been classified as Pathogenic.

GeneDx
Classification: Likely pathogenic. Last evaluated: 2024-07-23. Review status: criteria provided, single submitter. Criteria: GeneDx Variant Classification Process June 2021. Collection method: clinical testing. Allele origin: germline. Affected: yes.
Comment: Nonsense variant predicted to result in protein truncation or nonsense mediated decay in a gene for which loss of function is a known mechanism of disease; Located in a region of TTN within the I-band in which the majority of loss of function variants are significantly associated with autosomal dominant titinopathies (PMID: 27625338, 27869827); Not observed at significant frequency in large population cohorts (gnomAD); Has not been previously published as pathogenic or benign to our knowledge; This variant is associated with the following publications: (PMID: 27625338, 27869827)

Literature cited by the submitters: PubMed 25589632 (cited by Labcorp Genetics (formerly Invitae), Labcorp); PubMed 23975875 (cited by Labcorp Genetics (formerly Invitae), Labcorp); PubMed 27869827 (cited by Labcorp Genetics (formerly Invitae), Labcorp); PubMed 32964742 (cited by Labcorp Genetics (formerly Invitae), Labcorp).